The following is an entry in ClinVar:

ClinVar aggregate classification (germline): Likely benign. Review status: criteria provided, single submitter (1 of 4 stars). 2 submissions from 2 submitters: Likely benign (1). 1 of the submissions does not count toward it. Last evaluated 2026-01-22.

Conditions:
RIN2-related disorder. Also called: RIN2-related condition.

Allele frequency attached by ClinVar (database versions not stated): gnomAD exomes 0.00003; ExAC 0.00014; ESP Exome Variant Server 0.00017; gnomAD 0.00027; TOPMed 0.00031.
gnomAD v4.1: 78 of 1,550,790 alleles (0.005%); highest among the groups gnomAD compares: African/African-American, 0.1%; no homozygotes.

Submissions (2):

Labcorp Genetics (formerly Invitae), Labcorp
Classification: Likely benign. Last evaluated: 2026-01-22. Review status: criteria provided, single submitter. Criteria: Invitae Variant Classification Sherloc (09022015). Collection method: clinical testing. Allele origin: germline.

PreventionGenetics, part of Exact Sciences
Classification: Likely benign for RIN2-related condition. Last evaluated: 2019-10-28. Review status: no assertion criteria provided. Collection method: clinical testing. Allele origin: germline. Not counted in ClinVar's aggregate classification.
Comment: This variant is classified as likely benign based on ACMG/AMP sequence variant interpretation guidelines (Richards et al. 2015 PMID: 25741868, with internal and published modifications).

NM_018993.4(RIN2):c.-16A>C

Gene: RIN2 (Ras and Rab interactor 2; plus strand). Cytogenetic location: 20p11.23.
Variant type: single nucleotide variant.
Coding change: c.-16A>C on transcript NM_018993.4 (MANE Select); 16 bases upstream of the start codon, A replaced by C.
Molecular consequence: 5 prime UTR variant. On other transcripts: synonymous variant (1).
Genome position (GRCh38, 1-based): chr20:19,889,586, A>C. VCF-style: chr20-19889586-A-C. GRCh37 (hg19) VCF-style: chr20-19870230-A-C.
Other names: c.132A>C, p.Gly44= (NM_001242581.2); c.-561A>C (NM_001378238.1); c.132A>C (NM_001242581.1).
Identifiers: ClinVar variation 2038788 (VCV002038788.6), dbSNP rs368666866, ClinGen allele CA9779673.